The following is an entry in ClinVar:

ClinVar aggregate classification (germline): Benign/Likely benign. Review status: criteria provided, multiple submitters, no conflicts (2 of 4 stars). 3 submissions from 3 submitters: Benign (1); Likely benign (2). Last evaluated 2026-02-16.

Conditions:
Hereditary cancer-predisposing syndrome. Also called: Hereditary Cancer Syndrome; Neoplastic Syndromes, Hereditary; Tumor predisposition; Hereditary neoplastic syndrome. Identifiers: Orphanet 140162, MedGen C0027672, MeSH D009386, MONDO:0015356.
Familial adenomatous polyposis 1 (FAP1). Also called: FAMILIAL ADENOMATOUS POLYPOSIS 1, ATTENUATED; POLYPOSIS, ADENOMATOUS INTESTINAL. Identifiers: MedGen C2713442, MONDO:0021056, OMIM 175100. Disease mechanism: loss of function.

Submissions (3):

Ambry Genetics
Classification: Likely benign for Hereditary cancer-predisposing syndrome. Last evaluated: 2026-02-16. Review status: criteria provided, single submitter. Criteria: Ambry Variant Classification Scheme 2023. Collection method: clinical testing. Allele origin: germline.

Myriad Genetics, Inc.
Classification: Benign for Familial adenomatous polyposis 1. Last evaluated: 2024-04-10. Review status: criteria provided, single submitter. Criteria: Myriad Autosomal Dominant, Autosomal Recessive and X-Linked Classification Criteria (2023). Collection method: clinical testing. Allele origin: unknown.
Comment: This variant is considered benign. This variant is a silent/synonymous amino acid change and it is not expected to impact splicing.

Labcorp Genetics (formerly Invitae), Labcorp
Classification: Likely benign for Familial adenomatous polyposis 1. Last evaluated: 2023-07-16. Review status: criteria provided, single submitter. Criteria: Invitae Variant Classification Sherloc (09022015). Collection method: clinical testing. Allele origin: germline.

NM_000038.6(APC):c.7590G>A (p.Arg2530=)

Gene: APC (APC regulator of Wnt signaling pathway; plus strand). Cytogenetic location: 5q22.2.
Variant type: single nucleotide variant.
Coding change: c.7590G>A on transcript NM_000038.6 (MANE Select); coding-DNA position 7590, G replaced by A.
Protein change: p.Arg2530=; no amino-acid change (arginine 2530 retained).
Molecular consequence: synonymous variant.
Genome position (GRCh38, 1-based): chr5:112,843,184, G>A. VCF-style: chr5-112843184-G-A. GRCh37 (hg19) VCF-style: chr5-112178881-G-A.
Other names: c.7590G>A (NM_000038.5); c.7287G>A, p.Arg2429= (NM_001354903.2); c.7212G>A, p.Arg2404= (NM_001354904.2); c.7110G>A, p.Arg2370= (NM_001354905.2); c.6741G>A, p.Arg2247= (NM_001354906.2); c.7515G>A, p.Arg2505= (NM_001354898.2); c.7506G>A, p.Arg2502= (NM_001354899.2); c.7467G>A, p.Arg2489= (NM_001354900.2); and 6 more.
Identifiers: ClinVar variation 1130234 (VCV001130234.12), dbSNP rs2149990208, ClinGen allele CA446211069.